The following is an entry in ClinVar:

NM_002128.7(HMGB1):c.*2181_*2182insTTAA

Gene: HMGB1 (high mobility group box 1; minus strand). Cytogenetic location: 13q12.3.
Variant type: Insertion.
Coding change: c.*2181_*2182insTTAA on transcript NM_002128.7 (MANE Select); 2181 bases downstream of the stop codon through 2182 bases downstream of the stop codon, TTAA inserted.
Molecular consequence: 3 prime UTR variant.
Genome position: GRCh38 VCF-style: chr13-30459175-C-CTTAA. GRCh37 (hg19) VCF-style: chr13-31033312-C-CTTAA.
Other names: c.*2181_*2182insTTAA (NM_001313892.2, NM_001313893.1, NM_001370340.1 and 1 more transcripts); c.*2402_*2403insTTAA (NM_001363661.2); c.*2507_*2508insTTAA (NM_001370339.1).
Identifiers: ClinVar variation 1289616 (VCV001289616.2), dbSNP rs10628595, ClinGen allele CA247853777.
Genomic context (GRCh38, chr13:30,459,175, plus strand): 5'-CATTAAAATAGTTTCTATACACTTTCTAAAAAAAATCATCTTCAGTTACAAGGCTTTACA[C>CTTAA]TTATCTAAATTGCCTCCCACTTCCATTTACTTGAGTTTTAGACATCCAACTTCTAGGGGA-3'

ClinVar aggregate classification (germline): Benign (1 of 4 stars; one submission).

Submission:

GeneDx
Classification: Benign. Last evaluated: 2020-04-28. Review status: criteria provided, single submitter. Criteria: GeneDx Variant Classification Process June 2021. Collection method: clinical testing. Allele origin: germline. Affected: yes.
Comment: This variant is associated with the following publications: (PMID: 31777261)